The following is an entry in ClinVar:

ClinVar aggregate classification (germline): Uncertain significance. Review status: criteria provided, multiple submitters, no conflicts (2 of 4 stars). 2 submissions from 2 submitters: Uncertain significance (2). Last evaluated 2025-08-24.

Conditions:
46,XY sex reversal 9 (SRXY9). Also called: 46,XY SEX REVERSAL, ZFPM2-RELATED. Identifiers: Orphanet 251510, MedGen C4015129, MONDO:0014480, OMIM 616067.
Inborn genetic diseases. Identifiers: MedGen C0950123, MeSH D030342.

Allele frequency attached by ClinVar (database versions not stated): TOPMed below 0.00001; ExAC 0.00001; gnomAD exomes 0.00001 and 0.00006.
gnomAD v4.1: 36 of 1,613,730 alleles (0.0022%); highest among the groups gnomAD compares: East Asian, 0.078%; no homozygotes.

Submissions (2):

Ambry Genetics
Classification: Uncertain significance for Inborn genetic diseases. Last evaluated: 2025-08-24. Review status: criteria provided, single submitter. Criteria: Ambry Variant Classification Scheme 2023. Collection method: clinical testing. Allele origin: germline.

Labcorp Genetics (formerly Invitae), Labcorp
Classification: Uncertain significance for 46,XY sex reversal 9. Last evaluated: 2024-05-20. Review status: criteria provided, single submitter. Criteria: Invitae Variant Classification Sherloc (09022015). Collection method: clinical testing. Allele origin: germline.
Comment: This sequence change replaces glycine, which is neutral and non-polar, with serine, which is neutral and polar, at codon 995 of the ZFPM2 protein (p.Gly995Ser). This variant is present in population databases (rs779361639, gnomAD 0.01%). This variant has not been reported in the literature in individuals affected with ZFPM2-related conditions. ClinVar contains an entry for this variant (Variation ID: 968743). Algorithms developed to predict the effect of missense changes on protein structure and function output the following: SIFT: "Not Available"; PolyPhen-2: "Benign"; Align-GVGD: "Not Available". The serine amino acid residue is found in multiple mammalian species, which suggests that this missense change does not adversely affect protein function. In summary, the available evidence is currently insufficient to determine the role of this variant in disease. Therefore, it has been classified as a Variant of Uncertain Significance.

NM_012082.4(ZFPM2):c.2983G>A (p.Gly995Ser)

Genes: ZFPM2 (zinc finger protein, FOG family member 2; plus strand), ZFPM2-AS1 (ZFPM2 antisense RNA 1; minus strand), LOC126860469 (BRD4-independent group 4 enhancer GRCh37_chr8:106814445-106815644; plus strand). Cytogenetic location: 8q23.1.
Variant type: single nucleotide variant.
Coding change: c.2983G>A on transcript NM_012082.4 (MANE Select); coding-DNA position 2983, G replaced by A.
Protein change: p.Gly995Ser; replaces glycine 995 with serine.
Molecular consequence: missense variant.
Genome position (GRCh38, 1-based): chr8:105,803,065, G>A. VCF-style: chr8-105803065-G-A. GRCh37 (hg19) VCF-style: chr8-106815293-G-A.
Other names: c.2824G>A, p.Gly942Ser (NM_001362836.2); c.2587G>A, p.Gly863Ser (NM_001362837.2); short protein forms G863S, G942S, G995S.
Identifiers: ClinVar variation 968743 (VCV000968743.12), dbSNP rs779361639, ClinGen allele CA4840001.